The following is an entry in ClinVar:

ClinVar aggregate classification (germline): Uncertain significance (1 of 4 stars; one submission).

Allele frequency attached by ClinVar (database versions not stated): TOPMed 0.00001; gnomAD 0.00003.
gnomAD v4.1: 61 of 1,607,258 alleles (0.0038%); highest among the groups gnomAD compares: Non-Finnish European, 0.005%; no homozygotes.

Submission:

GeneDx
Classification: Uncertain significance. Last evaluated: 2021-04-16. Review status: criteria provided, single submitter. Criteria: GeneDx Variant Classification Process June 2021. Collection method: clinical testing. Allele origin: germline. Affected: yes.
Comment: In silico analysis supports that this missense variant has a deleterious effect on protein structure/function; Has not been previously published as pathogenic or benign to our knowledge

NM_006262.4(PRPH):c.248C>T (p.Ala83Val)

Genes: PRPH (peripherin; plus strand), TROAP-AS1 (TROAP and PRPH antisense RNA 1; minus strand). Cytogenetic location: 12q13.12.
Variant type: single nucleotide variant.
Coding change: c.248C>T on transcript NM_006262.4 (MANE Select); coding-DNA position 248, C replaced by T.
Protein change: p.Ala83Val; replaces alanine 83 with valine.
Molecular consequence: missense variant. On other transcripts: non-coding transcript variant (1).
Genome position (GRCh38, 1-based): chr12:49,295,448, C>T. VCF-style: chr12-49295448-C-T. GRCh37 (hg19) VCF-style: chr12-49689231-C-T.
Other names: short protein forms A83V.
Identifiers: ClinVar variation 1314774 (VCV001314774.2), dbSNP rs748951608, ClinGen allele CA6550802.